The following is an entry in ClinVar:

NM_015443.4(KANSL1):c.911G>A (p.Arg304His)

Gene: KANSL1 (KAT8 regulatory NSL complex subunit 1). Cytogenetic location: 17q21.31.
Variant type: single nucleotide variant.
Coding change: c.911G>A on transcript NM_015443.4 (MANE Select); coding-DNA position 911, G replaced by A.
Protein change: p.Arg304His; replaces arginine 304 with histidine.
Molecular consequence: missense variant.
Genome position (GRCh38, 1-based): chr17:46,171,233, C>T on the plus strand (G>A on the coding strand, the complement: KANSL1 is on the minus strand). VCF-style: chr17-46171233-C-T. GRCh37 (hg19) VCF-style: chr17-44248599-C-T.
Other names: c.911G>A, p.Arg304His (NM_001193465.2, NM_001193466.2, NM_001379198.1); short protein forms R304H.
Identifiers: ClinVar variation 508483 (VCV000508483.2), dbSNP rs1484397126, ClinGen allele CA399980236.
Genomic context (GRCh38, chr17:46,171,233, plus strand): 5'-AATCCACCCAGCTGATGTTGTATATGCCTCTCAACCTGCTTGGCTTGCACAACCTGTAAG[C>T]GCTTTTGTAATCTGCGGGCACGGCTCTCAATGTCAGCCTGTCGCCGCAGTAAAGCTGTTA-3'
Protein context (NP_056258.1, residues 294-314): IESRARRLQK[Arg304His]LQVVQAKQVE

ClinVar aggregate classification (germline): Conflicting classifications of pathogenicity. Review status: criteria provided, conflicting classifications (1 of 4 stars). 2 submissions from 2 submitters: Uncertain significance (1); Likely benign (1). Last evaluated 2026-03-26.

Conditions:
Inborn genetic diseases. Identifiers: MedGen C0950123, MeSH D030342.

Allele frequency attached by ClinVar (database versions not stated): gnomAD exomes 0.00001.
gnomAD v4.1: 11 of 1,614,100 alleles (0.00068%); highest among the groups gnomAD compares: East Asian, 0.0022%; no homozygotes.

Submissions (2):

Ambry Genetics
Classification: Uncertain significance for Inborn genetic diseases. Last evaluated: 2026-03-26. Review status: criteria provided, single submitter. Criteria: Ambry Variant Classification Scheme 2023. Collection method: clinical testing. Allele origin: germline.

GeneDx
Classification: Likely benign. Last evaluated: 2017-03-30. Review status: criteria provided, single submitter. Criteria: GeneDx Variant Classification (06012015). Collection method: clinical testing. Allele origin: germline. Affected: yes.
Comment: This variant is considered likely benign or benign based on one or more of the following criteria: it is a conservative change, it occurs at a poorly conserved position in the protein, it is predicted to be benign by multiple in silico algorithms, and/or has population frequency not consistent with disease.